The following is an entry in ClinVar:

ClinVar aggregate classification (germline): Conflicting classifications of pathogenicity. Review status: criteria provided, conflicting classifications (1 of 4 stars). 5 submissions from 5 submitters: Uncertain significance (1); Benign (1); Likely benign (3). Last evaluated 2025-08-07.

Conditions:
Von Hippel-Lindau syndrome (VHLS). Also called: Von Hippel-Lindau; von Hippel–Lindau syndrome; VHL syndrome. Identifiers: Orphanet 892, MedGen C0019562, MONDO:0008667, OMIM 193300. Disease mechanism: loss of function.
Chuvash polycythemia. Also called: POLYCYTHEMIA, VHL-DEPENDENT. Identifiers: Orphanet 238557, MedGen C1837915, MONDO:0009892, OMIM 263400.
Hereditary cancer-predisposing syndrome. Also called: Hereditary Cancer Syndrome; Hereditary neoplastic syndrome; Tumor predisposition; Neoplastic Syndromes, Hereditary. Identifiers: Orphanet 140162, MedGen C0027672, MeSH D009386, MONDO:0015356.

Allele frequency attached by ClinVar (database versions not stated): TOPMed below 0.00001; gnomAD exomes 0.00001.
gnomAD v4.1: 9 of 1,535,738 alleles (0.00059%); highest among the groups gnomAD compares: African/African-American, 0.0014%; no homozygotes.

Submissions (5):

Color Diagnostics, LLC DBA Color Health
Classification: Likely benign for Von Hippel-Lindau syndrome. Last evaluated: 2025-08-07. Review status: criteria provided, single submitter. Criteria: ACMG Guidelines, 2015. Collection method: clinical testing. Allele origin: germline.

Myriad Genetics, Inc.
Classification: Benign for Von Hippel-Lindau syndrome. Last evaluated: 2025-06-10. Review status: criteria provided, single submitter. Criteria: Myriad Autosomal Dominant, Autosomal Recessive and X-Linked Classification Criteria (2023). Collection method: clinical testing. Allele origin: unknown.
Comment: This variant is considered benign. This variant is a silent/synonymous amino acid change and it is not expected to impact splicing.

Labcorp Genetics (formerly Invitae), Labcorp
Classification: Likely benign for Von Hippel-Lindau syndrome; Chuvash polycythemia. Last evaluated: 2025-05-12. Review status: criteria provided, single submitter. Criteria: Invitae Variant Classification Sherloc (09022015). Collection method: clinical testing. Allele origin: germline.

GeneDx
Classification: Uncertain significance. Last evaluated: 2024-03-12. Review status: criteria provided, single submitter. Criteria: GeneDx Variant Classification Process June 2021. Collection method: clinical testing. Allele origin: germline. Affected: yes.
Comment: Not observed in large population cohorts (gnomAD); In silico analysis supports that this variant does not alter splicing; Has not been previously published as pathogenic or benign to our knowledge

Ambry Genetics
Classification: Likely benign for Hereditary cancer-predisposing syndrome. Last evaluated: 2020-11-10. Review status: criteria provided, single submitter. Criteria: Ambry Variant Classification Scheme 2023. Collection method: clinical testing. Allele origin: germline.

NM_000551.4(VHL):c.12G>A (p.Arg4=)

Gene: VHL (von Hippel-Lindau tumor suppressor; plus strand). Cytogenetic location: 3p25.3.
Variant type: single nucleotide variant.
Coding change: c.12G>A on transcript NM_000551.4 (MANE Select); coding-DNA position 12, G replaced by A.
Protein change: p.Arg4=; no amino-acid change (arginine 4 retained).
Molecular consequence: synonymous variant.
Genome position (GRCh38, 1-based): chr3:10,141,859, G>A. VCF-style: chr3-10141859-G-A. GRCh37 (hg19) VCF-style: chr3-10183543-G-A.
Other names: c.12G>A, p.Arg4= (NM_001354723.2, NM_198156.3).
Identifiers: ClinVar variation 456572 (VCV000456572.17), dbSNP rs1553619274, ClinGen allele CA432536137.